The following is an entry in ClinVar:

NM_002439.5(MSH3):c.686A>G (p.Tyr229Cys)

Gene: MSH3 (mutS homolog 3; plus strand). Cytogenetic location: 5q14.1.
Variant type: single nucleotide variant.
Coding change: c.686A>G on transcript NM_002439.5 (MANE Select); coding-DNA position 686, A replaced by G.
Protein change: p.Tyr229Cys; replaces tyrosine 229 with cysteine.
Molecular consequence: missense variant.
Genome position (GRCh38, 1-based): chr5:80,670,203, A>G. VCF-style: chr5-80670203-A-G. GRCh37 (hg19) VCF-style: chr5-79966022-A-G.
Other names: short protein forms Y229C.
Identifiers: ClinVar variation 1466638 (VCV001466638.10), dbSNP rs762737443, ClinGen allele CA360266762.

ClinVar aggregate classification (germline): Uncertain significance. Review status: criteria provided, multiple submitters, no conflicts (2 of 4 stars). 2 submissions from 2 submitters: Uncertain significance (2). Last evaluated 2024-01-04.

Conditions:
Hereditary cancer-predisposing syndrome. Also called: Tumor predisposition; Hereditary Cancer Syndrome; Hereditary neoplastic syndrome; Neoplastic Syndromes, Hereditary. Identifiers: Orphanet 140162, MedGen C0027672, MeSH D009386, MONDO:0015356.

gnomAD v4.1: 2 of 1,614,190 alleles (0.00012%); highest among the groups gnomAD compares: African/African-American, 0.0013%; no homozygotes.

Submissions (2):

Ambry Genetics
Classification: Uncertain significance for Hereditary cancer-predisposing syndrome. Last evaluated: 2024-01-04. Review status: criteria provided, single submitter. Criteria: Ambry Variant Classification Scheme 2023. Collection method: clinical testing. Allele origin: germline.

Labcorp Genetics (formerly Invitae), Labcorp
Classification: Uncertain significance. Last evaluated: 2021-04-19. Review status: criteria provided, single submitter. Criteria: Invitae Variant Classification Sherloc (09022015). Collection method: clinical testing. Allele origin: germline.
Comment: In summary, the available evidence is currently insufficient to determine the role of this variant in disease. Therefore, it has been classified as a Variant of Uncertain Significance. Algorithms developed to predict the effect of sequence changes on RNA splicing suggest that this variant may create or strengthen a splice site, but this prediction has not been confirmed by published transcriptional studies. Algorithms developed to predict the effect of missense changes on protein structure and function are either unavailable or do not agree on the potential impact of this missense change (SIFT: "Deleterious"; PolyPhen-2: "Probably Damaging"; Align-GVGD: "Class C0"). This variant has not been reported in the literature in individuals with MSH3-related conditions. This variant is not present in population databases (ExAC no frequency). This sequence change replaces tyrosine with cysteine at codon 229 of the MSH3 protein (p.Tyr229Cys). The tyrosine residue is highly conserved and there is a large physicochemical difference between tyrosine and cysteine.